The following is an entry in ClinVar:

ClinVar aggregate classification (germline): Uncertain significance (1 of 4 stars; one submission).

Allele frequency attached by ClinVar (database versions not stated): gnomAD exomes below 0.00001.
gnomAD v4.1: 6 of 1,613,970 alleles (0.00037%); highest among the groups gnomAD compares: Non-Finnish European, 0.00034%; no homozygotes.

Submission:

Labcorp Genetics (formerly Invitae), Labcorp
Classification: Uncertain significance. Last evaluated: 2022-03-10. Review status: criteria provided, single submitter. Criteria: Invitae Variant Classification Sherloc (09022015). Collection method: clinical testing. Allele origin: germline.
Comment: This sequence change replaces asparagine, which is neutral and polar, with threonine, which is neutral and polar, at codon 1343 of the USH2A protein (p.Asn1343Thr). This variant is not present in population databases (gnomAD no frequency). This variant has not been reported in the literature in individuals affected with USH2A-related conditions. Algorithms developed to predict the effect of missense changes on protein structure and function are either unavailable or do not agree on the potential impact of this missense change (SIFT: "Deleterious"; PolyPhen-2: "Probably Damaging"; Align-GVGD: "Class C0"). This variant disrupts the p.Asn1343 amino acid residue in USH2A. Other variant(s) that disrupt this residue have been determined to be pathogenic (PMID: 33926394). This suggests that this residue is clinically significant, and that variants that disrupt this residue are likely to be disease-causing. In summary, the available evidence is currently insufficient to determine the role of this variant in disease. Therefore, it has been classified as a Variant of Uncertain Significance.

Literature cited by the submitters: PubMed 33926394.

NM_206933.4(USH2A):c.4028A>C (p.Asn1343Thr)

Genes: USH2A (usherin; minus strand), USH2A-AS1 (USH2A antisense RNA 1; plus strand). Cytogenetic location: 1q41.
Variant type: single nucleotide variant.
Coding change: c.4028A>C on transcript NM_206933.4 (MANE Select); coding-DNA position 4028, A replaced by C.
Protein change: p.Asn1343Thr; replaces asparagine 1343 with threonine.
Molecular consequence: missense variant.
Genome position (GRCh38, 1-based): chr1:216,198,368, T>G on the plus strand (A>C on the coding strand, the complement: USH2A is on the minus strand). VCF-style: chr1-216198368-T-G. GRCh37 (hg19) VCF-style: chr1-216371710-T-G.
Other names: c.4028A>C, p.Asn1343Thr (NM_007123.6); short protein forms N1343T.
Identifiers: ClinVar variation 1440100 (VCV001440100.5), dbSNP rs2034900753, ClinGen allele CA344866958.